The following is an entry in ClinVar:

ClinVar aggregate classification (germline): Likely pathogenic. Review status: criteria provided, multiple submitters, no conflicts (2 of 4 stars). 2 submissions from 2 submitters: Likely pathogenic (2). Last evaluated 2024-10-29.

Conditions:
Joubert syndrome. Also called: Familial aplasia of the vermis; CEREBELLOPARENCHYMAL DISORDER IV; JOUBERT-BOLTSHAUSER SYNDROME. Identifiers: Orphanet 475, MedGen C5979921, MONDO:0018772.
Meckel-Gruber syndrome. Also called: Dysencephalia splachnocystica; DYSENCEPHALIA SPLANCHNOCYSTICA; GRUBER SYNDROME. Identifiers: Orphanet 564, MedGen C0265215, MONDO:0018921.
Nephronophthisis. Also called: Juvenile Nephronophthisis. Identifiers: Orphanet 655, MedGen C0687120, MONDO:0019005, HP:0000090.
Leber congenital amaurosis 10 (LCA10). Identifiers: Orphanet 65, MedGen C1857821, MONDO:0012723, OMIM 611755.
Meckel syndrome, type 4 (MKS4). Also called: MECKEL-GRUBER SYNDROME, TYPE 4. Identifiers: Orphanet 564, MedGen C1970161, MONDO:0012626, OMIM 611134.
Joubert syndrome 5 (JBTS5). Identifiers: Orphanet 2318, MedGen C1857780, MONDO:0012432, OMIM 610188.
Bardet-Biedl syndrome 14 (BBS14). Identifiers: Orphanet 110, MedGen C2673874, MONDO:0014442, OMIM 615991.
Senior-Loken syndrome 6 (SLSN6). Identifiers: Orphanet 3156, MedGen C1857779, MONDO:0012433, OMIM 610189.

Submissions (2):

Labcorp Genetics (formerly Invitae), Labcorp
Classification: Likely pathogenic for Joubert syndrome; Meckel-Gruber syndrome; Nephronophthisis. Last evaluated: 2024-10-29. Review status: criteria provided, single submitter. Criteria: Invitae Variant Classification Sherloc (09022015). Collection method: clinical testing. Allele origin: germline.
Comment: This sequence change affects a donor splice site in intron 40 of the CEP290 gene. It is expected to disrupt RNA splicing. Variants that disrupt the donor or acceptor splice site typically lead to a loss of protein function (PMID: 16199547), and loss-of-function variants in CEP290 are known to be pathogenic (PMID: 16909394, 17345604, 20690115). This variant is not present in population databases (gnomAD no frequency). This variant has not been reported in the literature in individuals affected with CEP290-related conditions. ClinVar contains an entry for this variant (Variation ID: 1066717). Algorithms developed to predict the effect of sequence changes on RNA splicing suggest that this variant may disrupt the consensus splice site. In summary, the currently available evidence indicates that the variant is pathogenic, but additional data are needed to prove that conclusively. Therefore, this variant has been classified as Likely Pathogenic.

Fulgent Genetics
Classification: Likely pathogenic for Joubert syndrome 5; Senior-Loken syndrome 6; Meckel syndrome, type 4; Leber congenital amaurosis 10; Bardet-Biedl syndrome 14. Last evaluated: 2024-01-15. Review status: criteria provided, single submitter. Criteria: ACMG Guidelines, 2015. Collection method: clinical testing. Allele origin: germline.

Literature cited by the submitters: PubMed 16199547 (cited by Labcorp Genetics (formerly Invitae), Labcorp); PubMed 16909394 (cited by Labcorp Genetics (formerly Invitae), Labcorp); PubMed 17345604 (cited by Labcorp Genetics (formerly Invitae), Labcorp); PubMed 20690115 (cited by Labcorp Genetics (formerly Invitae), Labcorp).

NM_025114.4(CEP290):c.5586+1G>T

Gene: CEP290 (centrosomal protein 290; minus strand). Cytogenetic location: 12q21.32.
Variant type: single nucleotide variant.
Coding change: c.5586+1G>T on transcript NM_025114.4 (MANE Select); the canonical splice donor site of the intron after coding-DNA position 5586, G replaced by T.
Molecular consequence: splice donor variant.
Genome position (GRCh38, 1-based): chr12:88,077,696, C>A on the plus strand (G>T on the coding strand, the complement: CEP290 is on the minus strand). VCF-style: chr12-88077696-C-A. GRCh37 (hg19) VCF-style: chr12-88471473-C-A.
Identifiers: ClinVar variation 1066717 (VCV001066717.11), dbSNP rs2035880971, ClinGen allele CA385987996.
Genomic context (GRCh38, chr12:88,077,696, plus strand): 5'-GAAATAAACTACTACCTCTATATTGTAAATCAGACATTATCAGAGTTAAATATAAAATTA[C>A]CTGTAATCCACTGGTTAGTCTTTTAATTTGCCTTTTCAGTTCATCATTCTCTTGATCAAT-3'